The following is an entry in ClinVar:

NM_001378778.1(MPDZ):c.869C>A (p.Ala290Asp)

Gene: MPDZ (multiple PDZ domain crumbs cell polarity complex component; minus strand). Cytogenetic location: 9p23.
Variant type: single nucleotide variant.
Coding change: c.869C>A on transcript NM_001378778.1 (MANE Select); coding-DNA position 869, C replaced by A.
Protein change: p.Ala290Asp; replaces alanine 290 with aspartic acid.
Molecular consequence: missense variant.
Genome position (GRCh38, 1-based): chr9:13,221,379, G>T on the plus strand (C>A on the coding strand, the complement: MPDZ is on the minus strand). VCF-style: chr9-13221379-G-T. GRCh37 (hg19) VCF-style: chr9-13221378-G-T.
Other names: c.869C>A, p.Ala290Asp (NM_001261406.2, NM_001261407.2, NM_001330637.2 and 14 more transcripts); short protein forms A290D.
Identifiers: ClinVar variation 1501552 (VCV001501552.8), dbSNP rs2136274523, ClinGen allele CA372946225.
Genomic context (GRCh38, chr9:13,221,379, plus strand): 5'-TGTACCCATATTATTTGATAAAATAGCATAAAAGATCTATTGATGTAGCCTACCTGATCA[G>T]CTACTCCTCCAGGCAGAATGGTTTTTACTATCACACCAGTTGCTTTTCCTCCTATGATGC-3'
Protein context (NP_001365707.1, residues 280-300): IVKTILPGGV[Ala290Asp]DQHGRLCSGD

ClinVar aggregate classification (germline): Uncertain significance (1 of 4 stars; one submission).

Allele frequency attached by ClinVar (database versions not stated): gnomAD exomes below 0.00001.
gnomAD v4.1: 1 of 1,607,858 alleles (0.000062%); highest among the groups gnomAD compares: East Asian, 0.0022%; no homozygotes.

Submission:

Labcorp Genetics (formerly Invitae), Labcorp
Classification: Uncertain significance. Last evaluated: 2022-02-24. Review status: criteria provided, single submitter. Criteria: Invitae Variant Classification Sherloc (09022015). Collection method: clinical testing. Allele origin: germline.
Comment: This variant has not been reported in the literature in individuals affected with MPDZ-related conditions. In summary, the available evidence is currently insufficient to determine the role of this variant in disease. Therefore, it has been classified as a Variant of Uncertain Significance. Algorithms developed to predict the effect of missense changes on protein structure and function (SIFT, PolyPhen-2, Align-GVGD) all suggest that this variant is likely to be disruptive. This variant is not present in population databases (gnomAD no frequency). This sequence change replaces alanine, which is neutral and non-polar, with aspartic acid, which is acidic and polar, at codon 290 of the MPDZ protein (p.Ala290Asp).